The following is an entry in ClinVar:

ClinVar aggregate classification (germline): Pathogenic. Review status: criteria provided, multiple submitters, no conflicts (2 of 4 stars). 2 submissions from 2 submitters: Pathogenic (2). Last evaluated 2025-06-02.

Conditions:
Hereditary nonpolyposis colorectal neoplasms. Identifiers: MedGen C0009405, MeSH D003123.
Lynch syndrome 5 (LYNCH5). Also called: Colorectal cancer, hereditary nonpolyposis, type 5; Hereditary non-polyposis colorectal cancer, type 5. Identifiers: Orphanet 144, MedGen C1833477, MONDO:0013710, OMIM 614350. Disease mechanism: loss of function.

Submissions (2):

Labcorp Genetics (formerly Invitae), Labcorp
Classification: Pathogenic for Hereditary nonpolyposis colorectal neoplasms. Last evaluated: 2025-06-02. Review status: criteria provided, single submitter. Criteria: Invitae Variant Classification Sherloc (09022015). Collection method: clinical testing. Allele origin: germline.
Comment: This sequence change creates a premature translational stop signal (p.Ser580Argfs*6) in the MSH6 gene. It is expected to result in an absent or disrupted protein product. Loss-of-function variants in MSH6 are known to be pathogenic (PMID: 18269114, 24362816). This variant is not present in population databases (gnomAD no frequency). This premature translational stop signal has been observed in individual(s) with Lynch syndrome (PMID: 21642682, 23729658). ClinVar contains an entry for this variant (Variation ID: 525827). For these reasons, this variant has been classified as Pathogenic.

Myriad Genetics, Inc.
Classification: Pathogenic for Lynch syndrome 5. Last evaluated: 2023-08-15. Review status: criteria provided, single submitter. Criteria: Myriad Autosomal Dominant, Autosomal Recessive and X-Linked Classification Criteria (2023). Collection method: clinical testing. Allele origin: unknown.
Comment: This variant is considered pathogenic. This variant creates a frameshift predicted to result in premature protein truncation.

Literature cited by the submitters: PubMed 18269114 (cited by Labcorp Genetics (formerly Invitae), Labcorp); PubMed 24362816 (cited by Labcorp Genetics (formerly Invitae), Labcorp); PubMed 21642682 (cited by Labcorp Genetics (formerly Invitae), Labcorp); PubMed 23729658 (cited by Labcorp Genetics (formerly Invitae), Labcorp).

NM_000179.3(MSH6):c.1738del (p.Ser580fs)

Gene: MSH6 (mutS homolog 6; plus strand). Cytogenetic location: 2p16.3.
Variant type: Deletion.
Coding change: c.1738del on transcript NM_000179.3 (MANE Select); coding-DNA position 1738, one base deleted (T; older notation c.1738delT).
Protein change: p.Ser580fs; shifts the reading frame from serine 580.
Molecular consequence: frameshift variant.
Genome position (GRCh38, 1-based): chr2:47,799,721, T deleted; the last of 2 consecutive T bases (chr2:47,799,720-47,799,721); deleting either gives the same sequence. VCF-style (leftmost placement, unchanged base first): chr2-47799719-GT-G. GRCh37 (hg19) VCF-style: chr2-48026858-GT-G.
Other names: c.1348del, p.Ser450fs (NM_001281492.2); c.832del, p.Ser278fs (NM_001281493.2, NM_001281494.2); c.1738delT (NM_000179.2); short protein forms S278fs, S450fs, S580fs.
Identifiers: ClinVar variation 525827 (VCV000525827.10), dbSNP rs1553413116, ClinGen allele CA658795757.
Genomic context (GRCh38, chr2:47,799,719, plus strand): 5'-GCTTTGTTGATACTTCACTGGGAAAGTTTTTCATAGGTCAGTTTTCAGATGATCGCCATT[GT>G]TCGAGATTTAGGACTCTAGTGGCACACTATCCCCCAGTACAAGTTTTATTTGAAAAAGGA-3'